The following is an entry in ClinVar:

NM_001378454.1(ALMS1):c.11638_11639del (p.Val3880fs)

Gene: ALMS1 (ALMS1 centrosome and basal body associated protein; plus strand). Cytogenetic location: 2p13.1.
Variant type: Deletion.
Coding change: c.11638_11639del on transcript NM_001378454.1 (MANE Select); coding-DNA positions 11638 to 11639, 2 bases deleted (GT; older notation c.11638_11639delGT).
Protein change: p.Val3880fs; shifts the reading frame from valine 3880.
Molecular consequence: frameshift variant.
Genome position (GRCh38, 1-based): chr2:73,599,491-73,599,492, GT deleted; deleting any 2 consecutive bases within chr2:73,599,490-73,599,492 gives the same sequence; the c. name uses the placement nearest the transcript's 3' end. VCF-style (leftmost placement, unchanged base first): chr2-73599489-ATG-A. GRCh37 (hg19) VCF-style: chr2-73826616-ATG-A.
Other names: c.11641_11642del, p.Val3881fs (NM_015120.4); short protein forms V3880fs, V3881fs.
Identifiers: ClinVar variation 1065781 (VCV001065781.1), dbSNP rs2104189157, ClinGen allele CA2499216265.

ClinVar aggregate classification (germline): Likely pathogenic (1 of 4 stars; one submission).

Conditions:
Alstrom syndrome (ALMS). Identifiers: Orphanet 64, MedGen C0268425, MONDO:0008763, OMIM 203800.

Submission:

Ocular Genomics Institute, Massachusetts Eye and Ear
Classification: Likely pathogenic for Alstrom syndrome. Last evaluated: 2021-04-08. Review status: criteria provided, single submitter. Criteria: ACMG Guidelines, 2015. Collection method: research. Allele origin: germline. Affected: yes.
Comment: Through a review of available evidence we were able to apply the following criteria: PM2, PVS1. Based on this evidence we have classified this variant as likely Pathogenic.